The following is an entry in ClinVar:

ClinVar aggregate classification (germline): Pathogenic (1 of 4 stars; one submission).

Conditions:
Early-infantile DEE. Also called: Early infantile epileptic encephalopathy; Ohtahara syndrome; Early infantile epileptic encephalopathy with suppression bursts. Identifiers: Orphanet 1934, MedGen C0393706, MONDO:0800491.

Submission:

Labcorp Genetics (formerly Invitae), Labcorp
Classification: Pathogenic for Early-infantile DEE. Last evaluated: 2025-02-24. Review status: criteria provided, single submitter. Criteria: Invitae Variant Classification Sherloc (09022015). Collection method: clinical testing. Allele origin: germline.
Comment: This sequence change creates a premature translational stop signal (p.Ile145Serfs*26) in the KCNQ2 gene. It is expected to result in an absent or disrupted protein product. Loss-of-function variants in KCNQ2 are known to be pathogenic (PMID: 14534157, 23692823, 27779742). This variant is not present in population databases (gnomAD no frequency). This variant has not been reported in the literature in individuals affected with KCNQ2-related conditions. ClinVar contains an entry for this variant (Variation ID: 1453074). For these reasons, this variant has been classified as Pathogenic.

Literature cited by the submitters: PubMed 14534157; PubMed 23692823; PubMed 27779742.

NM_172107.4(KCNQ2):c.432del (p.Ile145fs)

Gene: KCNQ2 (potassium voltage-gated channel subfamily Q member 2; minus strand). Cytogenetic location: 20q13.33.
Variant type: Deletion.
Coding change: c.432del on transcript NM_172107.4 (MANE Select); coding-DNA position 432, one base deleted (G; older notation c.432delG).
Protein change: p.Ile145fs; shifts the reading frame from isoleucine 145.
Molecular consequence: frameshift variant.
Genome position (GRCh38, 1-based): chr20:63,445,320, C deleted on the plus strand (G on the coding strand, the reverse complement: KCNQ2 is on the minus strand); the first of 2 consecutive C bases (chr20:63,445,320-63,445,321); deleting either gives the same sequence. VCF-style (leftmost placement, unchanged base first): chr20-63445319-TC-T. GRCh37 (hg19) VCF-style: chr20-62076672-TC-T.
Other names: c.432del, p.Ile145fs (NM_001382235.1, NM_004518.6, NM_172106.3 and 2 more transcripts); short protein forms I145fs.
Identifiers: ClinVar variation 1453074 (VCV001453074.7), dbSNP rs2145779418, ClinGen allele CA2573157308.